The following is an entry in ClinVar:

ClinVar aggregate classification (germline): Uncertain significance. Review status: criteria provided, multiple submitters, no conflicts (2 of 4 stars). 4 submissions from 4 submitters: Uncertain significance (4). Last evaluated 2024-07-11.

Allele frequency attached by ClinVar (database versions not stated): gnomAD 0.00003.

Submissions (4):

Blueprint Genetics
Classification: Uncertain significance. Last evaluated: 2024-07-11. Review status: criteria provided, single submitter. Criteria: ACMG Guidelines, 2015. Collection method: clinical testing. Allele origin: germline.

Labcorp Genetics (formerly Invitae), Labcorp
Classification: Uncertain significance. Last evaluated: 2022-02-27. Review status: criteria provided, single submitter. Criteria: Invitae Variant Classification Sherloc (09022015). Collection method: clinical testing. Allele origin: germline.
Comment: This sequence change replaces isoleucine, which is neutral and non-polar, with valine, which is neutral and non-polar, at codon 189 of the CFD protein (p.Ile189Val). This variant is present in population databases (no rsID available, gnomAD 0.003%). This variant has not been reported in the literature in individuals affected with CFD-related conditions. ClinVar contains an entry for this variant (Variation ID: 1163720). Algorithms developed to predict the effect of missense changes on protein structure and function output the following: SIFT: "Not Available"; PolyPhen-2: "Benign"; Align-GVGD: "Not Available". The valine amino acid residue is found in multiple mammalian species, which suggests that this missense change does not adversely affect protein function. In summary, the available evidence is currently insufficient to determine the role of this variant in disease. Therefore, it has been classified as a Variant of Uncertain Significance.

Mayo Clinic Laboratories, Mayo Clinic
Classification: Uncertain significance. Last evaluated: 2019-09-16. Review status: criteria provided, single submitter. Criteria: ACMG Guidelines, 2015. Collection method: clinical testing. Allele origin: germline. Observed: 1 variant allele.

Breakthrough Genomics
Classification: Uncertain significance. Review status: criteria provided, single submitter. Criteria: ACMG Guidelines, 2015. Collection method: not provided. Allele origin: germline. Inheritance: Autosomal recessive inheritance. Affected: yes.

NM_001928.4(CFD):c.565A>G (p.Ile189Val)

Gene: CFD (complement factor D; plus strand). Cytogenetic location: 19p13.3.
Variant type: single nucleotide variant.
Coding change: c.565A>G on transcript NM_001928.4 (MANE Select); coding-DNA position 565, A replaced by G.
Protein change: p.Ile189Val; replaces isoleucine 189 with valine.
Molecular consequence: missense variant.
Genome position (GRCh38, 1-based): chr19:861,906, A>G. VCF-style: chr19-861906-A-G. GRCh37 (hg19) VCF-style: chr19-861906-A-G.
Other names: c.586A>G, p.Ile196Val (NM_001317335.2); short protein forms I189V, I196V.
Identifiers: ClinVar variation 1163720 (VCV001163720.10), dbSNP rs778236694, ClinGen allele CA402923019.